The following is an entry in ClinVar:

NM_007186.6(CEP250):c.6083A>T (p.Asp2028Val)

Gene: CEP250 (centrosomal protein 250; plus strand). Cytogenetic location: 20q11.22.
Variant type: single nucleotide variant.
Coding change: c.6083A>T on transcript NM_007186.6 (MANE Select); coding-DNA position 6083, A replaced by T.
Protein change: p.Asp2028Val; replaces aspartic acid 2028 with valine.
Molecular consequence: missense variant.
Genome position (GRCh38, 1-based): chr20:35,504,452, A>T. VCF-style: chr20-35504452-A-T. GRCh37 (hg19) VCF-style: chr20-34092280-A-T.
Other names: c.4187A>T, p.Asp1396Val (NM_001318219.1); short protein forms D1396V, D2028V.
Identifiers: ClinVar variation 851404 (VCV000851404.6), dbSNP rs142635809, ClinGen allele CA9833997.
Genomic context (GRCh38, chr20:35,504,452, plus strand): 5'-GCCAGGCACACAGTCGGCAGCTGGAGGAGGCTCTGAGGATACAAGAAGGTGAGATCCAGG[A>T]CCAGGATCTCCGATACCAGGAGGATGTGCAGCAGCTGCAGCAGGCACTTGCCCAGAGGGA-3'
Protein context (NP_009117.2, residues 2018-2038): ALRIQEGEIQ[Asp2028Val]QDLRYQEDVQ

ClinVar aggregate classification (germline): Uncertain significance (1 of 4 stars; one submission).

Allele frequency attached by ClinVar (database versions not stated): TOPMed 0.00004; gnomAD 0.00005; gnomAD exomes 0.00005 and 0.00008; ExAC 0.00008; ESP Exome Variant Server 0.00008.

Submission:

Labcorp Genetics (formerly Invitae), Labcorp
Classification: Uncertain significance. Last evaluated: 2025-01-23. Review status: criteria provided, single submitter. Criteria: Invitae Variant Classification Sherloc (09022015). Collection method: clinical testing. Allele origin: germline.
Comment: This sequence change replaces aspartic acid, which is acidic and polar, with valine, which is neutral and non-polar, at codon 2028 of the CEP250 protein (p.Asp2028Val). This variant is present in population databases (rs142635809, gnomAD 0.01%). This missense change has been observed in individual(s) with congenital deafness (internal data). ClinVar contains an entry for this variant (Variation ID: 851404). An algorithm developed to predict the effect of missense changes on protein structure and function (PolyPhen-2) suggests that this variant¬†is likely to be tolerated. In summary, the available evidence is currently insufficient to determine the role of this variant in disease. Therefore, it has been classified as a Variant of Uncertain Significance.